The following is an entry in ClinVar:

ClinVar aggregate classification (germline): Uncertain significance. Review status: criteria provided, multiple submitters, no conflicts (2 of 4 stars). 2 submissions from 2 submitters: Uncertain significance (2). Last evaluated 2024-07-02.

Conditions:
Gorlin syndrome. Also called: Nevoid Basal Cell Carcinoma Syndrome; Basal cell nevus syndrome. Identifiers: Orphanet 377, MedGen C0004779, MONDO:0007187.
Hereditary cancer-predisposing syndrome. Also called: Neoplastic Syndromes, Hereditary; Hereditary Cancer Syndrome; Hereditary neoplastic syndrome; Tumor predisposition. Identifiers: Orphanet 140162, MedGen C0027672, MeSH D009386, MONDO:0015356.

Allele frequency attached by ClinVar (database versions not stated): TOPMed 0.00001.
gnomAD v4.1: 2 of 1,601,914 alleles (0.00012%); highest among the groups gnomAD compares: Non-Finnish European, 0.000085%; no homozygotes.

Submissions (2):

Labcorp Genetics (formerly Invitae), Labcorp
Classification: Uncertain significance for Gorlin syndrome. Last evaluated: 2024-07-02. Review status: criteria provided, single submitter. Criteria: Invitae Variant Classification Sherloc (09022015). Collection method: clinical testing. Allele origin: germline.
Comment: This sequence change replaces serine, which is neutral and polar, with phenylalanine, which is neutral and non-polar, at codon 1220 of the PTCH1 protein (p.Ser1220Phe). This variant is not present in population databases (gnomAD no frequency). This variant has not been reported in the literature in individuals affected with PTCH1-related conditions. ClinVar contains an entry for this variant (Variation ID: 824036). Advanced modeling of protein sequence and biophysical properties (such as structural, functional, and spatial information, amino acid conservation, physicochemical variation, residue mobility, and thermodynamic stability) performed at Invitae indicates that this missense variant is not expected to disrupt PTCH1 protein function with a negative predictive value of 95%. In summary, the available evidence is currently insufficient to determine the role of this variant in disease. Therefore, it has been classified as a Variant of Uncertain Significance.

Ambry Genetics
Classification: Uncertain significance for Hereditary cancer-predisposing syndrome. Last evaluated: 2023-12-22. Review status: criteria provided, single submitter. Criteria: Ambry Variant Classification Scheme 2023. Collection method: clinical testing. Allele origin: germline.
Comment: The p.S1220F variant (also known as c.3659C>T), located in coding exon 22 of the PTCH1 gene, results from a C to T substitution at nucleotide position 3659. The serine at codon 1220 is replaced by phenylalanine, an amino acid with highly dissimilar properties. This amino acid position is well conserved in available vertebrate species. In addition, the in silico prediction for this alteration is inconclusive. Since supporting evidence is limited at this time, the clinical significance of this alteration remains unclear.

NM_000264.5(PTCH1):c.3659C>T (p.Ser1220Phe)

Gene: PTCH1 (patched 1; minus strand). Cytogenetic location: 9q22.32.
Variant type: single nucleotide variant.
Coding change: c.3659C>T on transcript NM_000264.5 (MANE Select); coding-DNA position 3659, C replaced by T.
Protein change: p.Ser1220Phe; replaces serine 1220 with phenylalanine.
Molecular consequence: missense variant. On other transcripts: non-coding transcript variant (1).
Genome position (GRCh38, 1-based): chr9:95,449,214, G>A on the plus strand (C>T on the coding strand, the complement: PTCH1 is on the minus strand). VCF-style: chr9-95449214-G-A. GRCh37 (hg19) VCF-style: chr9-98211496-G-A.
Other names: c.3461C>T, p.Ser1154Phe (NM_001083602.3); c.3656C>T, p.Ser1219Phe (NM_001083603.3); c.3206C>T, p.Ser1069Phe (NM_001083604.3, NM_001083605.3, NM_001083606.3 and 1 more transcripts); c.3503C>T, p.Ser1168Phe (NM_001354918.2); short protein forms S1069F, S1154F, S1168F, S1219F, S1220F.
Identifiers: ClinVar variation 824036 (VCV000824036.11), dbSNP rs1375226181, ClinGen allele CA374111202.